The following is an entry in ClinVar:

NM_000135.4(FANCA):c.1566+2C>G

Gene: FANCA (FA complementation group A; minus strand). Cytogenetic location: 16q24.3.
Variant type: single nucleotide variant.
Coding change: c.1566+2C>G on transcript NM_000135.4 (MANE Select); the canonical splice donor site of the intron after coding-DNA position 1566, C replaced by G.
Molecular consequence: splice donor variant.
Genome position (GRCh38, 1-based): chr16:89,783,005, G>C on the plus strand (C>G on the coding strand, the complement: FANCA is on the minus strand). VCF-style: chr16-89783005-G-C. GRCh37 (hg19) VCF-style: chr16-89849413-G-C.
Other names: c.1566+2C>G (NM_001286167.3).
Identifiers: ClinVar variation 2143086 (VCV002143086.4), dbSNP rs1316950815, ClinGen allele CA397458042.
Genomic context (GRCh38, chr16:89,783,005, plus strand): 5'-AAGAAAACAAAGCAGTTTCTGCTGGGACAGGTGTGAGGAGTGGGCATGGAGGGACAGCTT[G>C]CCTTGAGGTCGGCCAGCCGTGTCTTGGCCAATGAGATGTAGTCTGTGAGGAGGGAGCGGT-3'

ClinVar aggregate classification (germline): Likely pathogenic (1 of 4 stars; one submission).

Conditions:
Fanconi anemia (FA). Also called: Fanconi's anemia. Identifiers: Orphanet 84, MedGen C0015625, MeSH D005199, MONDO:0019391.

gnomAD v4.1: 1 of 1,613,912 alleles (0.000062%); highest among the groups gnomAD compares: Non-Finnish European, 0.000085%; no homozygotes.

Submission:

Labcorp Genetics (formerly Invitae), Labcorp
Classification: Likely pathogenic for Fanconi anemia. Last evaluated: 2022-01-16. Review status: criteria provided, single submitter. Criteria: Invitae Variant Classification Sherloc (09022015). Collection method: clinical testing. Allele origin: germline.
Comment: In summary, the currently available evidence indicates that the variant is pathogenic, but additional data are needed to prove that conclusively. Therefore, this variant has been classified as Likely Pathogenic. Algorithms developed to predict the effect of sequence changes on RNA splicing suggest that this variant may disrupt the consensus splice site. This variant has not been reported in the literature in individuals affected with FANCA-related conditions. This variant is not present in population databases (gnomAD no frequency). This sequence change affects a donor splice site in intron 16 of the FANCA gene. It is expected to disrupt RNA splicing. Variants that disrupt the donor or acceptor splice site typically lead to a loss of protein function (PMID: 16199547), and loss-of-function variants in FANCA are known to be pathogenic (PMID: 19367192).

Literature cited by the submitters: PubMed 16199547; PubMed 19367192.